The following is an entry in ClinVar:

ClinVar aggregate classification (germline): Uncertain significance (1 of 4 stars; one submission).

Conditions:
Proteasome-associated autoinflammatory syndrome 1 (PRAAS1). Also called: JOINT CONTRACTURES, MUSCULAR ATROPHY, MICROCYTIC ANEMIA, AND PANNICULITIS-INDUCED LIPODYSTROPHY; JMP SYNDROME; AUTOINFLAMMATION, LIPODYSTROPHY, AND DERMATOSIS SYNDROME; NAKAJO-NISHIMURA SYNDROME; CHRONIC ATYPICAL NEUTROPHILIC DERMATOSIS WITH LIPODYSTROPHY AND ELEVATED TEMPERATURE SYNDROME; Nakajo syndrome. Identifiers: Orphanet 2615, Orphanet 324977, Orphanet 324999, Orphanet 325004, MedGen C4746851, MONDO:0054698, OMIM 256040.

Submission:

Geng Laboratory, The Second Hospital Affiliated to Xi’an Jiaotong University
Classification: Uncertain significance for Proteasome-associated autoinflammatory syndrome 1. Last evaluated: 2020-02-15. Review status: criteria provided, single submitter. Criteria: ACMG Guidelines, 2015. Collection method: clinical testing. Allele origin: de novo. Inheritance: Autosomal recessive inheritance. Affected: yes. Observed: 1 heterozygote.
Comment: In-silico analysis by Mutation Taster, Polyphen-2, REVEL, SIFT and Provean, both mutations were predicted as damaging.

NM_148919.4(PSMB8):c.367G>A (p.Asp123Asn)

Gene: PSMB8 (proteasome 20S subunit beta 8; minus strand). Cytogenetic location: 6p21.32.
Variant type: single nucleotide variant.
Coding change: c.367G>A on transcript NM_148919.4 (MANE Select); coding-DNA position 367, G replaced by A.
Protein change: p.Asp123Asn; replaces aspartic acid 123 with asparagine.
Molecular consequence: missense variant.
Genome position (GRCh38, 1-based): chr6:32,842,712, C>T on the plus strand (G>A on the coding strand, the complement: PSMB8 is on the minus strand). VCF-style: chr6-32842712-C-T. GRCh37 (hg19) VCF-style: chr6-32810489-C-T.
Other names: c.355G>A, p.Asp119Asn (NM_004159.5); short protein forms D119N, D123N.
Identifiers: ClinVar variation 870500 (VCV000870500.2), dbSNP rs1769994178, ClinGen allele CA363589149.